The following is an entry in ClinVar:

NM_152564.5(VPS13B):c.9135G>A (p.Ala3045=)

Gene: VPS13B (vacuolar protein sorting 13 homolog B; plus strand). Cytogenetic location: 8q22.2.
Variant type: single nucleotide variant.
Coding change: c.9135G>A on transcript NM_152564.5 (MANE Select); coding-DNA position 9135, G replaced by A.
Protein change: p.Ala3045=; no amino-acid change (alanine 3045 retained).
Molecular consequence: synonymous variant.
Genome position (GRCh38, 1-based): chr8:99,821,434, G>A. VCF-style: chr8-99821434-G-A. GRCh37 (hg19) VCF-style: chr8-100833662-G-A.
Other names: c.9135G>A (NM_152564.4); c.9210G>A, p.Ala3070= (NM_017890.5).
Identifiers: ClinVar variation 1133125 (VCV001133125.34), dbSNP rs574238919, ClinGen allele CA4824624.

ClinVar aggregate classification (germline): Likely benign. Review status: criteria provided, multiple submitters, no conflicts (2 of 4 stars). 4 submissions from 4 submitters: Likely benign (3). 1 of the submissions does not count toward it. Last evaluated 2026-01-14.

Conditions:
VPS13B-related disorder. Also called: VPS13B-related condition.
Cohen syndrome (COH1). Also called: Cutis verticis gyrata, retinitis pigmentosa, and sensorineural deafness; PEPPER SYNDROME. Identifiers: Orphanet 193, MedGen C0265223, MONDO:0008999, OMIM 216550.

Allele frequency attached by ClinVar (database versions not stated): ExAC 0.00002; gnomAD exomes 0.00002; gnomAD 0.00003 and 0.00004; TOPMed 0.00003.
gnomAD v4.1: 35 of 1,613,800 alleles (0.0022%); highest among the groups gnomAD compares: African/African-American, 0.0053%; no homozygotes.

Submissions (4):

Labcorp Genetics (formerly Invitae), Labcorp
Classification: Likely benign for Cohen syndrome. Last evaluated: 2026-01-14. Review status: criteria provided, single submitter. Criteria: Invitae Variant Classification Sherloc (09022015). Collection method: clinical testing. Allele origin: germline.

CeGaT Center for Human Genetics Tuebingen
Classification: Likely benign. Last evaluated: 2022-10-01. Review status: criteria provided, single submitter. Criteria: CeGaT Center For Human Genetics Tuebingen Variant Classification Criteria Version 2. Collection method: clinical testing. Allele origin: germline. Affected: yes. Observed: 1 variant allele.
Comment: VPS13B: BP4, BP7

Blueprint Genetics
Classification: Likely benign. Last evaluated: 2022-03-11. Review status: criteria provided, single submitter. Criteria: ACMG Guidelines, 2015. Collection method: clinical testing. Allele origin: germline.

PreventionGenetics, part of Exact Sciences
Classification: Likely benign for VPS13B-related condition. Last evaluated: 2019-06-20. Review status: no assertion criteria provided. Collection method: clinical testing. Allele origin: germline. Not counted in ClinVar's aggregate classification.
Comment: This variant is classified as likely benign based on ACMG/AMP sequence variant interpretation guidelines (Richards et al. 2015 PMID: 25741868, with internal and published modifications).